The following is an entry in ClinVar:

ClinVar aggregate classification (germline): Likely benign. Review status: criteria provided, multiple submitters, no conflicts (2 of 4 stars). 2 submissions from 2 submitters: Likely benign (2). Last evaluated 2024-10-03.

Allele frequency attached by ClinVar (database versions not stated): ESP Exome Variant Server 0.00039; TOPMed 0.00050; gnomAD 0.00056; ExAC 0.00075; 1000 Genomes Project 0.00079.
gnomAD v4.1: 939 of 1,195,525 alleles (0.079%); highest among the groups gnomAD compares: Non-Finnish European, 0.1%; no homozygotes.

Submissions (2):

Blueprint Genetics
Classification: Likely benign. Last evaluated: 2024-10-03. Review status: criteria provided, single submitter. Criteria: ACMG Guidelines, 2015. Collection method: clinical testing. Allele origin: germline.

CeGaT Center for Human Genetics Tuebingen
Classification: Likely benign. Last evaluated: 2022-03-01. Review status: criteria provided, single submitter. Criteria: CeGaT Center For Human Genetics Tuebingen Variant Classification Criteria Version 2. Collection method: clinical testing. Allele origin: germline. Affected: yes. Observed: 1 variant allele.
Comment: TBL1X: BP4, BP7

NM_005647.4(TBL1X):c.498T>G (p.Ala166=)

Gene: TBL1X (transducin beta like 1 X-linked; plus strand). Cytogenetic location: Xp22.2.
Variant type: single nucleotide variant.
Coding change: c.498T>G on transcript NM_005647.4 (MANE Select); coding-DNA position 498, T replaced by G.
Protein change: p.Ala166=; no amino-acid change (alanine 166 retained).
Molecular consequence: synonymous variant.
Genome position (GRCh38, 1-based): chrX:9,688,157, T>G. VCF-style: chrX-9688157-T-G. GRCh37 (hg19) VCF-style: chrX-9656197-T-G.
Other names: c.498T>G, p.Ala166= (NM_001139466.1); c.345T>G, p.Ala115= (NM_001139467.1, NM_001139468.1).
Identifiers: ClinVar variation 2659951 (VCV002659951.25), dbSNP rs369487407, ClinGen allele CA10344514.